The following is an entry in ClinVar:

ClinVar aggregate classification (germline): Uncertain significance (1 of 4 stars; one submission).

Conditions:
Congenital muscular hypertrophy-cerebral syndrome (CDLS2). Also called: SMC1A-Related Cornelia de Lange Syndrome; Cornelia de Lange syndrome 2. Identifiers: Orphanet 199, MedGen C1802395, MONDO:0010370, OMIM 300590.

Submission:

MVZ Medizinische Genetik Mainz
Classification: Uncertain significance for Congenital muscular hypertrophy-cerebral syndrome. Last evaluated: 2025-12-10. Review status: criteria provided, single submitter. Criteria: UK Practice Guidelines For Variant Classification V4 01 2020. Collection method: clinical testing. Allele origin: germline. Inheritance: X-linked dominant inheritance. Affected: yes. Observed: 1 variant allele.
Comment: ACMG Criteria: PP3_MOD,PM2_SUP,PP2

NM_006306.4(SMC1A):c.3451C>A (p.Pro1151Thr)

Gene: SMC1A (structural maintenance of chromosomes 1A; minus strand). Cytogenetic location: Xp11.22.
Variant type: single nucleotide variant.
Coding change: c.3451C>A on transcript NM_006306.4 (MANE Select); coding-DNA position 3451, C replaced by A.
Protein change: p.Pro1151Thr; replaces proline 1151 with threonine.
Molecular consequence: missense variant.
Genome position (GRCh38, 1-based): chrX:53,381,074, G>T on the plus strand (C>A on the coding strand, the complement: SMC1A is on the minus strand). VCF-style: chrX-53381074-G-T. GRCh37 (hg19) VCF-style: chrX-53407995-G-T.
Other names: c.3385C>A, p.Pro1129Thr (NM_001281463.1); short protein forms P1129T, P1151T.
Identifiers: ClinVar variation 4540402 (VCV004540402.1).
Genomic context (GRCh38, chrX:53,381,074, plus strand): 5'-CCACCTTGCCAATGTTGGTGTTATCCAAGGCAGCATCAATCTCATCCAGGACGAAGAAGG[G>T]GGCTGGCTTGTAGCTGGGAGGGAACCAGTAGGTGAGCTGACACTGAGGCGGGGAGGGGGT-3'
Protein context (NP_006297.2, residues 1141-1161): LFAIHSYKPA[Pro1151Thr]FFVLDEIDAA